The following is an entry in ClinVar:

NM_000493.4(COL10A1):c.1249C>A (p.Pro417Thr)

Genes: COL10A1 (collagen type X alpha 1 chain; minus strand), NT5DC1 (5'-nucleotidase domain containing 1; plus strand). Cytogenetic location: 6q22.1.
Variant type: single nucleotide variant.
Coding change: c.1249C>A on transcript NM_000493.4 (MANE Select); coding-DNA position 1249, C replaced by A.
Protein change: p.Pro417Thr; replaces proline 417 with threonine.
Molecular consequence: missense variant. On other transcripts: intron variant (1).
Genome position (GRCh38, 1-based): chr6:116,120,867, G>T on the plus strand (C>A on the coding strand, the complement: COL10A1 is on the minus strand). VCF-style: chr6-116120867-G-T. GRCh37 (hg19) VCF-style: chr6-116442030-G-T.
Other names: c.1249C>A, p.Pro417Thr (NM_001424106.1, NM_001424107.1); c.529+2922G>T (NM_152729.3); short protein forms P417T.
Identifiers: ClinVar variation 2918123 (VCV002918123.4), dbSNP rs757215968, ClinGen allele CA3968222.
Genomic context (GRCh38, chr6:116,120,867, plus strand): 5'-CATTGTGTCCGGGCATTCCCTTTGCTCCTGCTGGGCCCACAGGGCCTGGGAGACCAGGAG[G>T]TCCTCCAACTCCAGGATCACCTTTTGGACCTGGTAACCCTGGGTTACCCTTAGGACCATC-3'
Protein context (NP_000484.2, residues 407-427): GPKGDPGVGG[Pro417Thr]PGLPGPVGPA

ClinVar aggregate classification (germline): Uncertain significance. Review status: criteria provided, multiple submitters, no conflicts (2 of 4 stars). 2 submissions from 2 submitters: Uncertain significance (2). Last evaluated 2024-04-15.

Conditions:
Inborn genetic diseases. Identifiers: MedGen C0950123, MeSH D030342.

Allele frequency attached by ClinVar (database versions not stated): gnomAD 0.00001; TOPMed 0.00002; ExAC 0.00003.
gnomAD v4.1: 11 of 1,613,706 alleles (0.00068%); highest among the groups gnomAD compares: Admixed American, 0.018%; no homozygotes.

Submissions (2):

Ambry Genetics
Classification: Uncertain significance for Inborn genetic diseases. Last evaluated: 2024-04-15. Review status: criteria provided, single submitter. Criteria: Ambry Variant Classification Scheme 2023. Collection method: clinical testing. Allele origin: germline.

Labcorp Genetics (formerly Invitae), Labcorp
Classification: Uncertain significance. Last evaluated: 2023-09-19. Review status: criteria provided, single submitter. Criteria: Invitae Variant Classification Sherloc (09022015). Collection method: clinical testing. Allele origin: germline.
Comment: This sequence change replaces proline, which is neutral and non-polar, with threonine, which is neutral and polar, at codon 417 of the COL10A1 protein (p.Pro417Thr). This variant is present in population databases (rs757215968, gnomAD 0.03%). This variant has not been reported in the literature in individuals affected with COL10A1-related conditions. Advanced modeling of protein sequence and biophysical properties (such as structural, functional, and spatial information, amino acid conservation, physicochemical variation, residue mobility, and thermodynamic stability) has been performed at Invitae for this missense variant, however the output from this modeling did not meet the statistical confidence thresholds required to predict the impact of this variant on COL10A1 protein function. In summary, the available evidence is currently insufficient to determine the role of this variant in disease. Therefore, it has been classified as a Variant of Uncertain Significance.